The following is an entry in ClinVar:

ClinVar aggregate classification (germline): Uncertain significance (1 of 4 stars; one submission).

Conditions:
Hereditary cancer-predisposing syndrome. Also called: Neoplastic Syndromes, Hereditary; Tumor predisposition; Hereditary Cancer Syndrome; Hereditary neoplastic syndrome. Identifiers: Orphanet 140162, MedGen C0027672, MeSH D009386, MONDO:0015356.

Submission:

Ambry Genetics
Classification: Uncertain significance for Hereditary cancer-predisposing syndrome. Last evaluated: 2026-01-03. Review status: criteria provided, single submitter. Criteria: Ambry Variant Classification Scheme 2023. Collection method: clinical testing. Allele origin: germline.
Comment: The p.I1176L variant (also known as c.3526A>T), located in coding exon 19 of the BRIP1 gene, results from an A to T substitution at nucleotide position 3526. The isoleucine at codon 1176 is replaced by leucine, an amino acid with highly similar properties. This amino acid position is conserved. In addition, this alteration is predicted to be tolerated by in silico analysis. Based on the available evidence, the clinical significance of this variant remains unclear.

NM_032043.3(BRIP1):c.3526A>T (p.Ile1176Leu)

Gene: BRIP1 (BRCA1 interacting DNA helicase 1; minus strand). Cytogenetic location: 17q23.2.
Variant type: single nucleotide variant.
Coding change: c.3526A>T on transcript NM_032043.3 (MANE Select); coding-DNA position 3526, A replaced by T.
Protein change: p.Ile1176Leu; replaces isoleucine 1176 with leucine.
Molecular consequence: missense variant.
Genome position (GRCh38, 1-based): chr17:61,683,520, T>A on the plus strand (A>T on the coding strand, the complement: BRIP1 is on the minus strand). VCF-style: chr17-61683520-T-A. GRCh37 (hg19) VCF-style: chr17-59760881-T-A.
Other names: short protein forms I1176L.
Identifiers: ClinVar variation 4842398 (VCV004842398.1).